The following is an entry in ClinVar:

ClinVar aggregate classification (germline): Benign (1 of 4 stars; one submission).

Conditions:
Colorectal cancer, hereditary nonpolyposis, type 7. Identifiers: Orphanet 144, MedGen C1858380, MONDO:0013725, OMIM 614385.

Submission:

Myriad Genetics, Inc.
Classification: Benign for Colorectal cancer, hereditary nonpolyposis, type 7. Last evaluated: 2026-05-05. Review status: criteria provided, single submitter. Criteria: Myriad Autosomal Dominant, Autosomal Recessive and X-Linked Classification Criteria (2023). Collection method: clinical testing. Allele origin: unknown.
Comment: This variant is considered benign. This variant is a silent/synonymous amino acid change and it is not expected to impact splicing.

NM_001040108.2(MLH3):c.2532T>A (p.Pro844=)

Gene: MLH3 (mutL homolog 3; minus strand). Cytogenetic location: 14q24.3.
Variant type: single nucleotide variant.
Coding change: c.2532T>A on transcript NM_001040108.2 (MANE Select); coding-DNA position 2532, T replaced by A.
Protein change: p.Pro844=; no amino-acid change (proline 844 retained).
Molecular consequence: synonymous variant.
Genome position (GRCh38, 1-based): chr14:75,047,124, A>T on the plus strand (T>A on the coding strand, the complement: MLH3 is on the minus strand). VCF-style: chr14-75047124-A-T. GRCh37 (hg19) VCF-style: chr14-75513827-A-T.
Other names: c.2532T>A, p.Pro844= (NM_014381.3).
Identifiers: ClinVar variation 4875926 (VCV004875926.1).
Genomic context (GRCh38, chr14:75,047,124, plus strand): 5'-CAAAGGTTTTCTATTAAAGAGAGATAACTCCTTCAGGGTCATAGGACTTTCTCTCAAACT[A>T]GGCATCTGTTGTTCTAAACAATCTTCATCCTTGGAGAATGGAAACTTCTCTGAGTTAAGG-3'
Protein context (NP_001035197.1, residues 834-854): KDEDCLEQQM[Pro844=]SLRESPMTLK